The following is an entry in ClinVar:

ClinVar aggregate classification (germline): Uncertain significance. Review status: criteria provided, multiple submitters, no conflicts (2 of 4 stars). 5 submissions from 5 submitters: Uncertain significance (5). Last evaluated 2025-09-27.

Conditions:
NOTCH1-related disorder. Also called: NOTCH1-related condition; NOTCH1-related disorders.
Adams-Oliver syndrome 5 (AOS5). Identifiers: Orphanet 974, MedGen C4014970, MONDO:0014459, OMIM 616028.
Familial thoracic aortic aneurysm and aortic dissection (TAAD). Also called: Thoracic aortic aneurysms and dissections. Identifiers: Orphanet 91387, MedGen C4707243, MONDO:0019625.

Allele frequency attached by ClinVar (database versions not stated): gnomAD 0.00001.
gnomAD v4.1: 1 of 1,611,258 alleles (0.000062%); highest among the groups gnomAD compares: Non-Finnish European, 0.000085%; no homozygotes.

Submissions (5):

Labcorp Genetics (formerly Invitae), Labcorp
Classification: Uncertain significance for Adams-Oliver syndrome 5. Last evaluated: 2025-09-27. Review status: criteria provided, single submitter. Criteria: Invitae Variant Classification Sherloc (09022015). Collection method: clinical testing. Allele origin: germline.
Comment: This sequence change replaces tyrosine, which is neutral and polar, with aspartic acid, which is acidic and polar, at codon 550 of the NOTCH1 protein (p.Tyr550Asp). This variant is not present in population databases (gnomAD no frequency). This variant has not been reported in the literature in individuals affected with NOTCH1-related conditions. ClinVar contains an entry for this variant (Variation ID: 1033432). Invitae Evidence Modeling of protein sequence and biophysical properties (such as structural, functional, and spatial information, amino acid conservation, physicochemical variation, residue mobility, and thermodynamic stability) has been performed for this missense variant. However, the output from this modeling did not meet the statistical confidence thresholds required to predict the impact of this variant on NOTCH1 protein function. In summary, the available evidence is currently insufficient to determine the role of this variant in disease. Therefore, it has been classified as a Variant of Uncertain Significance.

Ambry Genetics
Classification: Uncertain significance for Familial thoracic aortic aneurysm and aortic dissection. Last evaluated: 2025-02-15. Review status: criteria provided, single submitter. Criteria: Ambry Variant Classification Scheme 2023. Collection method: clinical testing. Allele origin: germline.
Comment: The p.Y550D variant (also known as c.1648T>G), located in coding exon 10 of the NOTCH1 gene, results from a T to G substitution at nucleotide position 1648. The tyrosine at codon 550 is replaced by aspartic acid, an amino acid with highly dissimilar properties. This amino acid position is conserved. In addition, this alteration is predicted to be deleterious by in silico analysis. Based on the available evidence, the clinical significance of this variant remains unclear.

GeneDx
Classification: Uncertain significance. Last evaluated: 2024-08-01. Review status: criteria provided, single submitter. Criteria: GeneDx Variant Classification Process June 2021. Collection method: clinical testing. Allele origin: germline. Affected: yes.
Comment: Not observed at significant frequency in large population cohorts (gnomAD); In silico analysis supports that this missense variant has a deleterious effect on protein structure/function; Has not been previously published as pathogenic or benign to our knowledge

Daryl Scott Lab, Baylor College of Medicine
Classification: Uncertain significance for NOTCH1-related disorder. Last evaluated: 2024-04-01. Review status: criteria provided, single submitter. Criteria: ACMG Guidelines, 2015. Collection method: clinical testing. Allele origin: paternal. Observed: 1 heterozygote.
Comment: PM2, PP3

Baylor Genetics
Classification: Uncertain significance for Adams-Oliver syndrome 5. Last evaluated: 2018-07-13. Review status: criteria provided, single submitter. Criteria: ACMG Guidelines, 2015. Collection method: clinical testing. Allele origin: paternal. Affected: yes.
Comment: This variant was determined to be of uncertain significance according to ACMG Guidelines, 2015 [PMID:25741868].

NM_017617.5(NOTCH1):c.1648T>G (p.Tyr550Asp)

Gene: NOTCH1 (notch receptor 1; minus strand). Cytogenetic location: 9q34.3.
Variant type: single nucleotide variant.
Coding change: c.1648T>G on transcript NM_017617.5 (MANE Select); coding-DNA position 1648, T replaced by G.
Protein change: p.Tyr550Asp; replaces tyrosine 550 with aspartic acid.
Molecular consequence: missense variant.
Genome position (GRCh38, 1-based): chr9:136,516,002, A>C on the plus strand (T>G on the coding strand, the complement: NOTCH1 is on the minus strand). VCF-style: chr9-136516002-A-C. GRCh37 (hg19) VCF-style: chr9-139410454-A-C.
Other names: short protein forms Y550D.
Identifiers: ClinVar variation 1033432 (VCV001033432.5), dbSNP rs1843262478, ClinGen allele CA375560718.